The following is an entry in ClinVar:

NM_000297.4(PKD2):c.1157A>G (p.Tyr386Cys)

Gene: PKD2 (polycystin 2, transient receptor potential cation channel; plus strand). Cytogenetic location: 4q22.1.
Variant type: single nucleotide variant.
Coding change: c.1157A>G on transcript NM_000297.4 (MANE Select); coding-DNA position 1157, A replaced by G.
Protein change: p.Tyr386Cys; replaces tyrosine 386 with cysteine.
Molecular consequence: missense variant. On other transcripts: non-coding transcript variant (1).
Genome position (GRCh38, 1-based): chr4:88,043,295, A>G. VCF-style: chr4-88043295-A-G. GRCh37 (hg19) VCF-style: chr4-88964447-A-G.
Other names: c.1157A>G (NM_000297.3); short protein forms Y386C.
Identifiers: ClinVar variation 3892079 (VCV003892079.2).

ClinVar aggregate classification (germline): Uncertain significance. Review status: criteria provided, multiple submitters, no conflicts (2 of 4 stars). 2 submissions from 2 submitters: Uncertain significance (2). Last evaluated 2026-04-04.

Conditions:
PKD2-related disorder. Also called: PKD2-related condition.
Polycystic kidney disease 2 (PKD2). Also called: Polycystic Kidney Disease 2, Autosomal Dominant; POLYCYSTIC KIDNEY DISEASE, ADULT, TYPE II; POLYCYSTIC KIDNEY DISEASE 2 WITH OR WITHOUT POLYCYSTIC LIVER DISEASE. Identifiers: MedGen C2751306, MONDO:0013131, OMIM 613095.

Submissions (2):

PreventionGenetics, part of Exact Sciences
Classification: Uncertain significance for PKD2-related condition. Last evaluated: 2026-04-04. Review status: criteria provided, single submitter. Criteria: ACMG Guidelines, 2015. Collection method: clinical testing. Allele origin: germline.
Comment: The PKD2 c.1157A>G variant is predicted to result in the amino acid substitution p.Tyr386Cys. To our knowledge, this variant has not been reported in the literature or in a large population database (gnomAD), indicating this variant is rare. At this time, the clinical significance of this variant is uncertain due to the absence of conclusive functional and genetic evidence.

Department of Pathology and Laboratory Medicine, Sinai Health System
Classification: Uncertain significance for Polycystic kidney disease 2. Last evaluated: 2024-11-27. Review status: criteria provided, single submitter. Criteria: ACMG Guidelines, 2015. Collection method: clinical testing. Allele origin: germline.